The following is an entry in ClinVar:

ClinVar aggregate classification (germline): Likely pathogenic (1 of 4 stars; one submission).

Conditions:
Charcot-Marie-Tooth disease type 2. Also called: Charcot-Marie-Tooth type 2. Identifiers: Orphanet 64746, MedGen C0270914, MONDO:0018993.

Submission:

Labcorp Genetics (formerly Invitae), Labcorp
Classification: Likely pathogenic for Charcot-Marie-Tooth disease type 2. Last evaluated: 2025-01-31. Review status: criteria provided, single submitter. Criteria: Invitae Variant Classification Sherloc (09022015). Collection method: clinical testing. Allele origin: germline.
Comment: This sequence change replaces alanine, which is neutral and non-polar, with valine, which is neutral and non-polar, at codon 278 of the LMNA protein (p.Ala278Val). This variant is not present in population databases (gnomAD no frequency). This variant has not been reported in the literature in individuals affected with LMNA-related conditions. Invitae Evidence Modeling of protein sequence and biophysical properties (such as structural, functional, and spatial information, amino acid conservation, physicochemical variation, residue mobility, and thermodynamic stability) indicates that this missense variant is expected to disrupt LMNA protein function with a positive predictive value of 95%. This variant disrupts the p.Ala278 amino acid residue in LMNA. Other variant(s) that disrupt this residue have been determined to be pathogenic (PMID: 20472316). This suggests that this residue is clinically significant, and that variants that disrupt this residue are likely to be disease-causing. In summary, the currently available evidence indicates that the variant is pathogenic, but additional data are needed to prove that conclusively. Therefore, this variant has been classified as Likely Pathogenic.

Literature cited by the submitters: PubMed 20472316.

NM_170707.4(LMNA):c.833C>T (p.Ala278Val)

Gene: LMNA (lamin A/C; plus strand). Cytogenetic location: 1q22.
Variant type: single nucleotide variant.
Coding change: c.833C>T on transcript NM_170707.4 (MANE Select); coding-DNA position 833, C replaced by T.
Protein change: p.Ala278Val; replaces alanine 278 with valine.
Molecular consequence: missense variant. On other transcripts: synonymous variant (4).
Genome position (GRCh38, 1-based): chr1:156,135,209, C>T. VCF-style: chr1-156135209-C-T. GRCh37 (hg19) VCF-style: chr1-156105000-C-T.
Other names: c.497C>T, p.Ala166Val (NM_001257374.3, NM_001406989.1, NM_001406998.1); c.590C>T, p.Ala197Val (NM_001282624.2, NM_001406986.1, NM_001406987.1); c.833C>T, p.Ala278Val (NM_001282625.2, NM_001282626.2, NM_001406983.1 and 6 more transcripts); c.536C>T, p.Ala179Val (NM_001406988.1); c.275C>T, p.Ala92Val (NM_001406990.1, NM_001406993.1, NM_001406995.1 and 4 more transcripts); c.169C>T, p.Leu57= (NM_001406994.1, NM_001406999.1, NM_001407000.1 and 1 more transcripts); short protein forms A197V, A278V, A166V, A179V, A92V.
Identifiers: ClinVar variation 3683466 (VCV003683466.2).
Genomic context (GRCh38, chr1:156,135,209, plus strand): 5'-CAGTCACCACAGTCCTAACCCTTTGTCCTCCCCTCCAGCTGGACAATGCCAGGCAGTCTG[C>T]TGAGAGGAACAGCAACCTGGTGGGGGCTGCCCACGAGGAGCTGCAGCAGTCGCGCATCCG-3'
Protein context (NP_733821.1, residues 268-288): SAKLDNARQS[Ala278Val]ERNSNLVGAA